The following is an entry in ClinVar:

NM_003922.4(HERC1):c.10198C>T (p.Arg3400Cys)

Gene: HERC1 (HECT and RLD domain containing E3 ubiquitin protein ligase family member 1; minus strand). Cytogenetic location: 15q22.31.
Variant type: single nucleotide variant.
Coding change: c.10198C>T on transcript NM_003922.4 (MANE Select); coding-DNA position 10198, C replaced by T.
Protein change: p.Arg3400Cys; replaces arginine 3400 with cysteine.
Molecular consequence: missense variant.
Genome position (GRCh38, 1-based): chr15:63,654,211, G>A on the plus strand (C>T on the coding strand, the complement: HERC1 is on the minus strand). VCF-style: chr15-63654211-G-A. GRCh37 (hg19) VCF-style: chr15-63946410-G-A.
Other names: short protein forms R3400C.
Identifiers: ClinVar variation 2177456 (VCV002177456.5), dbSNP rs187940173, ClinGen allele CA7604533.

ClinVar aggregate classification (germline): Uncertain significance. Review status: criteria provided, multiple submitters, no conflicts (2 of 4 stars). 2 submissions from 2 submitters: Uncertain significance (2). Last evaluated 2026-01-14.

Allele frequency attached by ClinVar (database versions not stated): gnomAD exomes 0.00002; ESP Exome Variant Server 0.00008.
gnomAD v4.1: 41 of 1,613,854 alleles (0.0025%); highest among the groups gnomAD compares: Middle Eastern, 0.066%; no homozygotes.

Submissions (2):

Women's Health and Genetics/Laboratory Corporation of America, LabCorp
Classification: Uncertain significance. Last evaluated: 2026-01-14. Review status: criteria provided, single submitter. Criteria: LabCorp Variant Classification Summary - May 2015. Collection method: clinical testing. Allele origin: germline.
Comment: Variant summary: HERC1 c.10198C>T (p.Arg3400Cys) results in a non-conservative amino acid change in the encoded protein sequence. Algorithms developed to predict the effect of missense changes on protein structure and function are either unavailable or do not agree on the potential impact of this missense change. The variant allele was found at a frequency of 2.4e-05 in 249096 control chromosomes. The available data on variant occurrences in the general population are insufficient to allow any conclusion about variant significance. c.10198C>T has been observed in at least one individual affected with unspecified developmental delay (e.g. Abolhassani_2024). These report(s) do not provide unequivocal conclusions about association of the variant with Macrocephaly, Dysmorphic Facies, And Psychomotor Retardation. To our knowledge, no experimental evidence demonstrating an impact on protein function has been reported. The following publication has been ascertained in the context of this evaluation (PMID: 38374194). ClinVar contains an entry for this variant (Variation ID: 2177456). Based on the evidence outlined above, the variant was classified as uncertain significance.

Labcorp Genetics (formerly Invitae), Labcorp
Classification: Uncertain significance. Last evaluated: 2025-11-10. Review status: criteria provided, single submitter. Criteria: Invitae Variant Classification Sherloc (09022015). Collection method: clinical testing. Allele origin: germline.
Comment: This sequence change replaces arginine, which is basic and polar, with cysteine, which is neutral and slightly polar, at codon 3400 of the HERC1 protein (p.Arg3400Cys). This variant is present in population databases (rs187940173, gnomAD 0.006%). This missense change has been observed in individual(s) with clinical features of HERC1-related conditions (PMID: 38374194). ClinVar contains an entry for this variant (Variation ID: 2177456). Invitae Evidence Modeling of protein sequence and biophysical properties (such as structural, functional, and spatial information, amino acid conservation, physicochemical variation, residue mobility, and thermodynamic stability) indicates that this missense variant is expected to disrupt HERC1 protein function with a positive predictive value of 80%. In summary, the available evidence is currently insufficient to determine the role of this variant in disease. Therefore, it has been classified as a Variant of Uncertain Significance.

Literature cited by the submitters: PubMed 38374194 (cited by Women's Health and Genetics/Laboratory Corporation of America, LabCorp and Labcorp Genetics (formerly Invitae), Labcorp).